The following is an entry in ClinVar:

NM_003072.5(SMARCA4):c.979C>G (p.Pro327Ala)

Gene: SMARCA4 (SWI/SNF related BAF chromatin remodeling complex subunit ATPase 4; plus strand). Cytogenetic location: 19p13.2.
Variant type: single nucleotide variant.
Coding change: c.979C>G on transcript NM_003072.5 (MANE Select); coding-DNA position 979, C replaced by G.
Protein change: p.Pro327Ala; replaces proline 327 with alanine.
Molecular consequence: missense variant. On other transcripts: non-coding transcript variant (1).
Genome position (GRCh38, 1-based): chr19:10,987,785, C>G. VCF-style: chr19-10987785-C-G. GRCh37 (hg19) VCF-style: chr19-11098461-C-G.
Other names: c.979C>G, p.Pro327Ala (NM_001128844.3, NM_001128845.2, NM_001128846.2 and 6 more transcripts); short protein forms P327A.
Identifiers: ClinVar variation 2587143 (VCV002587143.4), dbSNP rs770946823, ClinGen allele CA404058567.
Genomic context (GRCh38, chr19:10,987,785, plus strand): 5'-CCAACGGGCCGCCCTTCCCCCGCGCCCCCTGCCGTCCCACCCGCCGCCTCGCCCGTGATG[C>G]CACCGCAGACCCAGTCCCCCGGGCAGCCGGCCCAGCCCGCGCCCATGGTGCCACTGCACC-3'
Protein context (NP_003063.2, residues 317-337): AVPPAASPVM[Pro327Ala]PQTQSPGQPA

ClinVar aggregate classification (germline): Uncertain significance. Review status: criteria provided, multiple submitters, no conflicts (2 of 4 stars). 2 submissions from 2 submitters: Uncertain significance (2). Last evaluated 2024-07-24.

Conditions:
Hereditary cancer-predisposing syndrome. Also called: Tumor predisposition; Hereditary Cancer Syndrome; Hereditary neoplastic syndrome; Neoplastic Syndromes, Hereditary. Identifiers: Orphanet 140162, MedGen C0027672, MeSH D009386, MONDO:0015356.
Rhabdoid tumor predisposition syndrome 2 (RTPS2). Identifiers: Orphanet 231108, Orphanet 69077, MedGen C2750074, MONDO:0013224, OMIM 613325.

gnomAD v4.1: 1 of 1,600,204 alleles (0.000062%); highest among the groups gnomAD compares: Non-Finnish European, 0.000085%; no homozygotes.

Submissions (2):

Labcorp Genetics (formerly Invitae), Labcorp
Classification: Uncertain significance for Rhabdoid tumor predisposition syndrome 2. Last evaluated: 2024-07-24. Review status: criteria provided, single submitter. Criteria: Invitae Variant Classification Sherloc (09022015). Collection method: clinical testing. Allele origin: germline.
Comment: This sequence change replaces proline, which is neutral and non-polar, with alanine, which is neutral and non-polar, at codon 327 of the SMARCA4 protein (p.Pro327Ala). This variant is not present in population databases (gnomAD no frequency). This variant has not been reported in the literature in individuals affected with SMARCA4-related conditions. ClinVar contains an entry for this variant (Variation ID: 2587143). Advanced modeling of protein sequence and biophysical properties (such as structural, functional, and spatial information, amino acid conservation, physicochemical variation, residue mobility, and thermodynamic stability) has been performed at Invitae for this missense variant, however the output from this modeling did not meet the statistical confidence thresholds required to predict the impact of this variant on SMARCA4 protein function. In summary, the available evidence is currently insufficient to determine the role of this variant in disease. Therefore, it has been classified as a Variant of Uncertain Significance.

Ambry Genetics
Classification: Uncertain significance for Hereditary cancer-predisposing syndrome. Last evaluated: 2023-08-30. Review status: criteria provided, single submitter. Criteria: Ambry Variant Classification Scheme 2023. Collection method: clinical testing. Allele origin: germline.
Comment: The p.P327A variant (also known as c.979C>G), located in coding exon 5 of the SMARCA4 gene, results from a C to G substitution at nucleotide position 979. The proline at codon 327 is replaced by alanine, an amino acid with highly similar properties. This amino acid position is well conserved in available vertebrate species. In addition, the in silico prediction for this alteration is inconclusive. Missense and in-frame variants in SMARCA4 are known to cause neurodevelopmental disorders; however, such associations with rhabdoid tumor predisposition syndrome including small cell carcinoma of the ovary-hypercalcemic type (SCCOHT) are exceedingly rare (Kosho T et al. Am J Med Genet C Semin Med Genet. 2014 Sep;166C(3):262-75; Jelinic P et al. Nat Genet. 2014 May;46(5):424-6). Based on the supporting evidence, the association of this alteration with Coffin-Siris syndrome is unknown; however, the association of this alteration with rhabdoid tumor predisposition syndrome syndrome is unlikely.